The following is an entry in ClinVar:

ClinVar aggregate classification (germline): Benign/Likely benign. Review status: criteria provided, multiple submitters, no conflicts (2 of 4 stars). 29 submissions from 22 submitters: Benign (16); Likely benign (8). 5 of the submissions do not count toward it. Last evaluated 2026-09-01.

Conditions:
Cardiovascular phenotype. Identifiers: MedGen CN230736.
Autosomal recessive limb-girdle muscular dystrophy type 2J (LGMDR10). Also called: MUSCULAR DYSTROPHY, LIMB-GIRDLE, AUTOSOMAL RECESSIVE 10; Limb-girdle muscular dystrophy, type 2J. Identifiers: Orphanet 140922, MedGen C1837342, MONDO:0012127, OMIM 608807.
Dilated cardiomyopathy 1G (CMD1G). Identifiers: Orphanet 154, MedGen C1858763, MONDO:0011400, OMIM 604145.
Cardiomyopathy (CMYO). Also called: Cardiomyopathies. Identifiers: Orphanet 167848, MedGen C0878544, MONDO:0004994, HP:0001638. Inheritance: Various modes of inheritance.
Early-onset myopathy with fatal cardiomyopathy (CMYO5). Also called: CONGENITAL MYOPATHY 5 WITH CARDIOMYOPATHY; Salih Myopathy. Identifiers: Orphanet 289377, MedGen C2673677, MONDO:0012714, OMIM 611705. Disease mechanism: loss of function.
Myopathy, myofibrillar, 9, with early respiratory failure (MFM9). Also called: Myopathy, distal, with early respiratory failure, autosomal dominant; Hereditary myopathy with early respiratory failure; EDSTROM MYOPATHY; MYOPATHY, PROXIMAL, WITH EARLY RESPIRATORY MUSCLE INVOLVEMENT. Identifiers: Orphanet 178464, Orphanet 34521, MedGen C1863599, MONDO:0011362, OMIM 603689.
Tibial muscular dystrophy (TMD). Also called: Tibial muscular dystrophy, tardive; Udd Distal Myopathy – Tibial Muscular Dystrophy; UDD MYOPATHY. Identifiers: Orphanet 609, MedGen C1838244, MONDO:0010870, OMIM 600334.

Allele frequency attached by ClinVar (database versions not stated): 1000 Genomes Project 0.00359; 1000 Genomes Project 30x 0.00375; gnomAD 0.00431 and 0.00461; TOPMed 0.00525; ExAC 0.00200; gnomAD exomes 0.00207; ESP Exome Variant Server 0.00399.
gnomAD v4.1: 2,323 of 1,613,652 alleles (0.14%); highest among the groups gnomAD compares: African/African-American, 1.2%; 13 homozygotes.

Submissions 1 to 18 of 30:

CeGaT Center for Human Genetics Tuebingen
Classification: Likely benign. Last evaluated: 2026-09-01. Review status: criteria provided, single submitter. Criteria: CeGaT Center For Human Genetics Tuebingen Variant Classification Criteria Version 2. Collection method: clinical testing. Allele origin: germline. Affected: yes. Observed: 51 variant alleles.
Comment: TTN: BP4, BS1

Labcorp Genetics (formerly Invitae), Labcorp
Classification: Benign for Dilated cardiomyopathy 1G; Autosomal recessive limb-girdle muscular dystrophy type 2J. Last evaluated: 2026-02-03. Review status: criteria provided, single submitter. Criteria: Invitae Variant Classification Sherloc (09022015). Collection method: clinical testing. Allele origin: germline.

Women's Health and Genetics/Laboratory Corporation of America, LabCorp
Classification: Likely benign. Last evaluated: 2025-12-01. Review status: criteria provided, single submitter. Criteria: LabCorp Variant Classification Summary - May 2015. Collection method: clinical testing. Allele origin: germline.
Comment: Variant summary: TTN c.28618C>G (p.Leu9540Val) results in a conservative amino acid change in the encoded protein sequence. Algorithms developed to predict the effect of missense changes on protein structure and function all suggest that this variant is likely to be tolerated. The variant allele was found at a frequency of 0.0021 in 248616 control chromosomes in the gnomAD database, including 2 homozygotes. The observed variant frequency exceeds the estimated maximal expected allele frequency for disease-causing variants in TTN. c.28618C>G has been observed in individual(s) affected with Dilated Cardiomyopathy or cases of sudden unexplained death, without strong evidence for causality (e.g. Pugh_2014, Campuzano_2015). These reports do not provide unequivocal conclusions about association of the variant with Dilated Cardiomyopathy. To our knowledge, no experimental evidence demonstrating an impact on protein function has been reported. The following publications have been ascertained in the context of this evaluation (PMID: 26516846, 24503780). ClinVar contains an entry for this variant (Variation ID: 46864). Based on the evidence outlined above, the variant was classified as likely benign.

Molecular Diagnostic Laboratory for Inherited Cardiovascular Disease, Montreal Heart Institute
Classification: Likely benign. Last evaluated: 2025-04-09. Review status: criteria provided, single submitter. Criteria: ACMG Guidelines, 2015. Collection method: clinical testing. Allele origin: germline. Affected: no.

ARUP Laboratories, Molecular Genetics and Genomics, ARUP Laboratories
Classification: Benign. Last evaluated: 2025-03-27. Review status: criteria provided, single submitter. Criteria: ARUP Molecular Germline Variant Investigation Process 2024. Collection method: clinical testing. Allele origin: germline.

Blueprint Genetics
Classification: Likely benign. Last evaluated: 2024-11-26. Review status: criteria provided, single submitter. Criteria: ACMG Guidelines, 2015. Collection method: clinical testing. Allele origin: germline.

Mayo Clinic Laboratories, Mayo Clinic
Classification: Benign. Last evaluated: 2024-06-10. Review status: criteria provided, single submitter. Criteria: ACMG Guidelines, 2015. Collection method: clinical testing. Allele origin: germline. Observed: 9 variant alleles.
Comment: BS1, BS2, BP4

Genome-Nilou Lab
Classification: Benign for Autosomal recessive limb-girdle muscular dystrophy type 2J. Last evaluated: 2021-09-10. Review status: criteria provided, single submitter. Criteria: ACMG Guidelines, 2015. Collection method: clinical testing. Allele origin: germline. Affected: no.

Genome-Nilou Lab
Classification: Benign for Myopathy, myofibrillar, 9, with early respiratory failure. Last evaluated: 2021-09-10. Review status: criteria provided, single submitter. Criteria: ACMG Guidelines, 2015. Collection method: clinical testing. Allele origin: germline. Affected: no.

Genome-Nilou Lab
Classification: Benign for Early-onset myopathy with fatal cardiomyopathy. Last evaluated: 2021-09-10. Review status: criteria provided, single submitter. Criteria: ACMG Guidelines, 2015. Collection method: clinical testing. Allele origin: germline. Affected: no.

Genome-Nilou Lab
Classification: Benign for Tibial muscular dystrophy. Last evaluated: 2021-09-10. Review status: criteria provided, single submitter. Criteria: ACMG Guidelines, 2015. Collection method: clinical testing. Allele origin: germline. Affected: no.

Illumina Laboratory Services, Illumina
Classification: Likely benign for Dilated cardiomyopathy 1G. Last evaluated: 2018-01-12. Review status: criteria provided, single submitter. Criteria: ICSL Variant Classification Criteria 13 December 2019. Collection method: clinical testing. Allele origin: germline.
Comment: This variant was observed in the ICSL laboratory as part of a predisposition screen in an ostensibly healthy population. It had not been previously curated by ICSL or reported in the Human Gene Mutation Database (HGMD: prior to June 1st, 2018), and was therefore a candidate for classification through an automated scoring system. Utilizing variant allele frequency, disease prevalence and penetrance estimates, and inheritance mode, an automated score was calculated to assess if this variant is too frequent to cause the disease. Based on the score and internal cut-off values, a variant classified as likely benign is not then subjected to further curation. The score for this variant resulted in a classification of likely benign for this disease.

Illumina Laboratory Services, Illumina
Classification: Likely benign for Autosomal recessive limb-girdle muscular dystrophy type 2J. Last evaluated: 2018-01-12. Review status: criteria provided, single submitter. Criteria: ICSL Variant Classification Criteria 13 December 2019. Collection method: clinical testing. Allele origin: germline.
Comment: the same text as in the submission from Illumina Laboratory Services, Illumina above.

Illumina Laboratory Services, Illumina
Classification: Likely benign for Early-onset myopathy with fatal cardiomyopathy. Last evaluated: 2018-01-12. Review status: criteria provided, single submitter. Criteria: ICSL Variant Classification Criteria 13 December 2019. Collection method: clinical testing. Allele origin: germline.
Comment: the same text as in the submission from Illumina Laboratory Services, Illumina above.

Illumina Laboratory Services, Illumina
Classification: Benign for Myopathy, myofibrillar, 9, with early respiratory failure. Last evaluated: 2018-01-12. Review status: criteria provided, single submitter. Criteria: ICSL Variant Classification Criteria 13 December 2019. Collection method: clinical testing. Allele origin: germline.
Comment: This variant was observed in the ICSL laboratory as part of a predisposition screen in an ostensibly healthy population. It had not been previously curated by ICSL or reported in the Human Gene Mutation Database (HGMD: prior to June 1st, 2018), and was therefore a candidate for classification through an automated scoring system. Utilizing variant allele frequency, disease prevalence and penetrance estimates, and inheritance mode, an automated score was calculated to assess if this variant is too frequent to cause the disease. Based on the score and internal cut-off values, a variant classified as benign is not then subjected to further curation. The score for this variant resulted in a classification of benign for this disease.

Illumina Laboratory Services, Illumina
Classification: Benign for Tibial muscular dystrophy. Last evaluated: 2018-01-12. Review status: criteria provided, single submitter. Criteria: ICSL Variant Classification Criteria 13 December 2019. Collection method: clinical testing. Allele origin: germline.
Comment: the same text as in the submission from Illumina Laboratory Services, Illumina above.

Genetic Services Laboratory, University of Chicago
Classification: Benign. Last evaluated: 2016-09-02. Review status: criteria provided, single submitter. Criteria: ACMG Guidelines, 2015. Collection method: clinical testing. Allele origin: germline. Affected: no.

CHEO Genetics Diagnostic Laboratory, Children's Hospital of Eastern Ontario
Classification: Benign for Cardiomyopathy. Last evaluated: 2016-08-11. Review status: criteria provided, single submitter. Criteria: ACMG Guidelines, 2015. Collection method: clinical testing. Allele origin: germline. Study: Canadian Open Genetics Repository.

NM_001267550.2(TTN):c.32350C>G (p.Leu10784Val)

Gene: TTN (titin; minus strand). Cytogenetic location: 2q31.2.
Variant type: single nucleotide variant.
Coding change: c.32350C>G on transcript NM_001267550.2 (MANE Select); coding-DNA position 32350, C replaced by G.
Protein change: p.Leu10784Val; replaces leucine 10784 with valine.
Molecular consequence: missense variant. On other transcripts: intron variant (3).
Genome position (GRCh38, 1-based): chr2:178,685,560, G>C on the plus strand (C>G on the coding strand, the complement: TTN is on the minus strand). VCF-style: chr2-178685560-G-C. GRCh37 (hg19) VCF-style: chr2-179550287-G-C.
Other names: p.L10467V:CTG>GTG; p.Leu10467Val; c.31399C>G, p.Leu10467Val (NM_001256850.1); c.28618C>G, p.Leu9540Val (NM_133378.4); c.13283-43243C>G (NM_003319.4); c.13859-43243C>G (NM_133437.4); c.13658-43243C>G (NM_133432.3); short protein forms L10784V, L10467V, L9540V.
Identifiers: ClinVar variation 46864 (VCV000046864.80), dbSNP rs72650029, ClinGen allele CA283112.